The following is an entry in ClinVar:

ClinVar aggregate classification (germline): Uncertain significance. Review status: criteria provided, multiple submitters, no conflicts (2 of 4 stars). 2 submissions from 2 submitters: Uncertain significance (2). Last evaluated 2022-02-03.

Conditions:
Emery-Dreifuss muscular dystrophy 5, autosomal dominant (EDMD5). Also called: EMERY-DREIFUSS MUSCULAR DYSTROPHY 5. Identifiers: Orphanet 261, MedGen C2751805, MONDO:0013072, OMIM 612999.

Allele frequency attached by ClinVar (database versions not stated): ExAC 0.00001; gnomAD exomes 0.00001 and 0.00002; TOPMed 0.00001.
gnomAD v4.1: 9 of 1,613,852 alleles (0.00056%); highest among the groups gnomAD compares: Middle Eastern, 0.017%; no homozygotes.

Submissions (2):

Labcorp Genetics (formerly Invitae), Labcorp
Classification: Uncertain significance for Emery-Dreifuss muscular dystrophy 5, autosomal dominant. Last evaluated: 2022-02-03. Review status: criteria provided, single submitter. Criteria: Invitae Variant Classification Sherloc (09022015). Collection method: clinical testing. Allele origin: germline.
Comment: This variant is present in population databases (rs766731181, gnomAD 0.006%). In summary, the available evidence is currently insufficient to determine the role of this variant in disease. Therefore, it has been classified as a Variant of Uncertain Significance. Algorithms developed to predict the effect of missense changes on protein structure and function are either unavailable or do not agree on the potential impact of this missense change (SIFT: "Tolerated"; PolyPhen-2: "Possibly Damaging"; Align-GVGD: "Class C0"). ClinVar contains an entry for this variant (Variation ID: 313639). This variant has not been reported in the literature in individuals affected with SYNE2-related conditions. This sequence change replaces methionine, which is neutral and non-polar, with valine, which is neutral and non-polar, at codon 6129 of the SYNE2 protein (p.Met6129Val).

Illumina Laboratory Services, Illumina
Classification: Uncertain significance for Emery-Dreifuss muscular dystrophy 5, autosomal dominant. Last evaluated: 2018-01-13. Review status: criteria provided, single submitter. Criteria: ICSL Variant Classification Criteria 13 December 2019. Collection method: clinical testing. Allele origin: germline.

NM_182914.3(SYNE2):c.18385A>G (p.Met6129Val)

Gene: SYNE2 (spectrin repeat containing nuclear envelope protein 2; plus strand). Cytogenetic location: 14q23.2.
Variant type: single nucleotide variant.
Coding change: c.18385A>G on transcript NM_182914.3 (MANE Select); coding-DNA position 18385, A replaced by G.
Protein change: p.Met6129Val; replaces methionine 6129 with valine.
Molecular consequence: missense variant.
Genome position (GRCh38, 1-based): chr14:64,208,941, A>G. VCF-style: chr14-64208941-A-G. GRCh37 (hg19) VCF-style: chr14-64675659-A-G.
Other names: c.18385A>G, p.Met6129Val (NM_015180.6); short protein forms M6129V.
Identifiers: ClinVar variation 313639 (VCV000313639.13), dbSNP rs766731181, ClinGen allele CA7224050.
Genomic context (GRCh38, chr14:64,208,941, plus strand): 5'-ACCACCAGGAGCCTGGACAGACGCTGGAGGAACATTTGTGCCATGTCCATGGAGCGGCGC[A>G]TGAAGTAAGAACTAAGCTCCCCCAAATGCCTTCAGCGTGGTCAGCCGAACTCAATACACC-3'
Protein context (NP_878918.2, residues 6119-6139): NICAMSMERR[Met6129Val]KIEETWRLWQ